The following is an entry in ClinVar:

NM_007215.4(POLG2):c.436_449delinsTTCTTCGCAGA (p.Arg146_Ala150delinsPhePheAlaGlu)

Genes: MILR1 (mast cell immunoglobulin like receptor 1; plus strand), POLG2 (DNA polymerase gamma 2, accessory subunit; minus strand). Cytogenetic location: 17q23.3.
Variant type: Indel.
Coding change: c.436_449delinsTTCTTCGCAGA on transcript NM_007215.4 (MANE Select); coding-DNA positions 436 to 449, AGGTTAGTTTCTGC replaced by TTCTTCGCAGA.
Protein change: p.Arg146_Ala150delinsPhePheAlaGlu.
Molecular consequence: inframe indel.
Genome position (GRCh38, 1-based): chr17:64,496,520-64,496,533, GCAGAAACTAACCT replaced by TCTGCGAAGAA on the plus strand (AGGTTAGTTTCTGC replaced by TTCTTCGCAGA on the coding strand, the reverse complement: POLG2 is on the minus strand). VCF-style: chr17-64496520-GCAGAAACTAACCT-TCTGCGAAGAA. GRCh37 (hg19) VCF-style: chr17-62492638-GCAGAAACTAACCT-TCTGCGAAGAA.
Identifiers: ClinVar variation 4691872 (VCV004691872.1).

ClinVar aggregate classification (germline): Uncertain significance (1 of 4 stars; one submission).

Submission:

Labcorp Genetics (formerly Invitae), Labcorp
Classification: Uncertain significance. Last evaluated: 2025-10-13. Review status: criteria provided, single submitter. Criteria: Invitae Variant Classification Sherloc (09022015). Collection method: clinical testing. Allele origin: germline.
Comment: This variant, c.436_449delinsTTCTTCGCAGA, is a complex sequence change that results in the deletion of 5 and insertion of 4 amino acid(s) in the POLG2 protein (p.Arg146_Ala150delinsPhePheAlaGlu). Information on the frequency of this variant in the gnomAD database is not available, as this variant may be reported differently in the database. This variant has not been reported in the literature in individuals affected with POLG2-related conditions. Experimental studies and prediction algorithms are not available or were not evaluated, and the functional significance of this variant is currently unknown. In summary, the available evidence is currently insufficient to determine the role of this variant in disease. Therefore, it has been classified as a Variant of Uncertain Significance.